The following is an entry in ClinVar:

ClinVar aggregate classification (germline): Uncertain significance (1 of 4 stars; one submission).

Submission:

MVZ Dr. Eberhard & Partner Dortmund
Classification: Uncertain significance. Last evaluated: 2021-12-21. Review status: criteria provided, single submitter. Criteria: ACMG Guidelines, 2015. Collection method: clinical testing. Allele origin: unknown. Observed: 1 heterozygote.
Comment: This sequence change from C to A is likely to cause an amino acid change from Glutamine to Lysine at position 173. Computation evidence suggest a conserved nucleotide (phyloP: 4.24 [-14.1;6.4]) and a highly conserved amino acid sequence (12 species up to zebrafish) but only moderate physicochemical differences (Grantham dist.: 53 [0-215]). Furthermore, most computational missense analysis suggest pathogenicity. This variant is not present in lierature, mutation databases or in controls like Exome Sequencing Project, 1000 Genomes Project and the Genome Aggregation Database. This variant is considered to be a variant of uncertain significance according to the ACMG guidelines.

NM_000313.4(PROS1):c.517C>A (p.Gln173Lys)

Gene: PROS1 (protein S; minus strand). Cytogenetic location: 3q11.1.
Variant type: single nucleotide variant.
Coding change: c.517C>A on transcript NM_000313.4 (MANE Select); coding-DNA position 517, C replaced by A.
Protein change: p.Gln173Lys; replaces glutamine 173 with lysine.
Molecular consequence: missense variant.
Genome position (GRCh38, 1-based): chr3:93,905,868, G>T on the plus strand (C>A on the coding strand, the complement: PROS1 is on the minus strand). VCF-style: chr3-93905868-G-T. GRCh37 (hg19) VCF-style: chr3-93624712-G-T.
Other names: c.613C>A, p.Gln205Lys (NM_001314077.2); short protein forms Q173K, Q205K.
Identifiers: ClinVar variation 1676812 (VCV001676812.2), dbSNP rs2107170988, ClinGen allele CA353673558.